The following is an entry in ClinVar:

NM_017802.4(DNAAF5):c.772G>A (p.Val258Ile)

Gene: DNAAF5 (dynein axonemal assembly factor 5; plus strand). Cytogenetic location: 7p22.3.
Variant type: single nucleotide variant.
Coding change: c.772G>A on transcript NM_017802.4 (MANE Select); coding-DNA position 772, G replaced by A.
Protein change: p.Val258Ile; replaces valine 258 with isoleucine.
Molecular consequence: missense variant. On other transcripts: non-coding transcript variant (1).
Genome position (GRCh38, 1-based): chr7:729,839, G>A. VCF-style: chr7-729839-G-A. GRCh37 (hg19) VCF-style: chr7-769476-G-A.
Other names: short protein forms V258I.
Identifiers: ClinVar variation 1760350 (VCV001760350.4), dbSNP rs199854382, ClinGen allele CA4110419.

ClinVar aggregate classification (germline): Uncertain significance. Review status: criteria provided, multiple submitters, no conflicts (2 of 4 stars). 2 submissions from 2 submitters: Uncertain significance (2). Last evaluated 2025-11-15.

Conditions:
Primary ciliary dyskinesia. Also called: Ciliary dyskinesia. Identifiers: Orphanet 244, MedGen C0008780, MONDO:0016575, HP:0012265.

Allele frequency attached by ClinVar (database versions not stated): gnomAD 0.00001; TOPMed 0.00003; gnomAD exomes 0.00004; ExAC 0.00007; ESP Exome Variant Server 0.00008.
gnomAD v4.1: 62 of 1,613,988 alleles (0.0038%); highest among the groups gnomAD compares: Middle Eastern, 0.016%; no homozygotes.

Submissions (2):

Ambry Genetics
Classification: Uncertain significance for Primary ciliary dyskinesia. Last evaluated: 2025-11-15. Review status: criteria provided, single submitter. Criteria: Ambry Variant Classification Scheme 2023. Collection method: clinical testing. Allele origin: germline.
Comment: The p.V258I variant (also known as c.772G>A), located in coding exon 2 of the DNAAF5 gene, results from a G to A substitution at nucleotide position 772. The valine at codon 258 is replaced by isoleucine, an amino acid with highly similar properties. This amino acid position is not well conserved in available vertebrate species, and isoleucine is the reference amino acid in other vertebrate species. In addition, this alteration is predicted to be tolerated by in silico analysis. Since supporting evidence is limited at this time, the clinical significance of this alteration remains unclear.

Labcorp Genetics (formerly Invitae), Labcorp
Classification: Uncertain significance for Primary ciliary dyskinesia. Last evaluated: 2022-05-19. Review status: criteria provided, single submitter. Criteria: Invitae Variant Classification Sherloc (09022015). Collection method: clinical testing. Allele origin: germline.
Comment: This sequence change replaces valine, which is neutral and non-polar, with isoleucine, which is neutral and non-polar, at codon 258 of the DNAAF5 protein (p.Val258Ile). This variant is present in population databases (rs199854382, gnomAD 0.02%). This variant has not been reported in the literature in individuals affected with DNAAF5-related conditions. Algorithms developed to predict the effect of missense changes on protein structure and function (SIFT, PolyPhen-2, Align-GVGD) all suggest that this variant is likely to be tolerated. In summary, the available evidence is currently insufficient to determine the role of this variant in disease. Therefore, it has been classified as a Variant of Uncertain Significance.